The following is an entry in ClinVar:

ClinVar aggregate classification (germline): Pathogenic/Likely pathogenic. Review status: criteria provided, multiple submitters, no conflicts (2 of 4 stars). 2 submissions from 2 submitters: Pathogenic (1); Likely pathogenic (1). Last evaluated 2022-04-04.

Conditions:
Osteogenesis imperfecta type I (OI1). Also called: OI, TYPE I; OSTEOGENESIS IMPERFECTA TARDA; OSTEOGENESIS IMPERFECTA WITH BLUE SCLERAE; Osteogenesis imperfecta type 1; Lobstein disease; Lobstein's Disease. Identifiers: Orphanet 216796, Orphanet 666, MedGen C0023931, MONDO:0008146, OMIM 166200. Disease mechanism: loss of function.
COL1A1-related disorder. Also called: COL1A1- related disease; COL1A1-related condition.

Submissions (2):

Blueprint Genetics
Classification: Likely pathogenic for COL1A1-related disorders. Last evaluated: 2022-04-04. Review status: criteria provided, single submitter. Criteria: ACMG Guidelines, 2015. Collection method: clinical testing. Allele origin: germline. Affected: yes. Observed: 2 variant alleles.

Labcorp Genetics (formerly Invitae), Labcorp
Classification: Pathogenic for Osteogenesis imperfecta type I. Last evaluated: 2018-10-21. Review status: criteria provided, single submitter. Criteria: Invitae Variant Classification Sherloc (09022015). Collection method: clinical testing. Allele origin: germline.
Comment: For these reasons, this variant has been classified as Pathogenic. Glycine residues within the Gly-Xaa-Yaa repeats of the triple helix domain are required for the structure and stability of fibrillar collagens (PMID: 7695699, 8218237, 19344236). In COL1A1, missense variants at these glycine residues are significantly enriched in individuals with disease (PMID: 9016532, 17078022) compared to the general population (ExAC). This variant has not been reported in the literature in individuals with a COL1A1-related disease. However, disruption of this residue (p.Gly1166Cys) has been observed to be de novo in an individual affected with osteogenesis imperfecta type 2 (PMID: 3016737). This residue is also known as p.Gly988 in the literature (PMID: 3016737). This variant is not present in population databases (ExAC no frequency). This sequence change replaces glycine with serine at codon 1166 of the COL1A1 protein (p.Gly1166Ser). The glycine residue is highly conserved and there is a small physicochemical difference between glycine and serine.

Literature cited by the submitters: PubMed 7695699 (cited by Labcorp Genetics (formerly Invitae), Labcorp); PubMed 8218237 (cited by Labcorp Genetics (formerly Invitae), Labcorp); PubMed 19344236 (cited by Labcorp Genetics (formerly Invitae), Labcorp); PubMed 9016532 (cited by Labcorp Genetics (formerly Invitae), Labcorp); PubMed 17078022 (cited by Labcorp Genetics (formerly Invitae), Labcorp); PubMed 3016737 (cited by Labcorp Genetics (formerly Invitae), Labcorp).

NM_000088.4(COL1A1):c.3496G>A (p.Gly1166Ser)

Gene: COL1A1 (collagen type I alpha 1 chain; minus strand). Cytogenetic location: 17q21.33.
Variant type: single nucleotide variant.
Coding change: c.3496G>A on transcript NM_000088.4 (MANE Select); coding-DNA position 3496, G replaced by A.
Protein change: p.Gly1166Ser; replaces glycine 1166 with serine.
Molecular consequence: missense variant.
Genome position (GRCh38, 1-based): chr17:50,187,050, C>T on the plus strand (G>A on the coding strand, the complement: COL1A1 is on the minus strand). VCF-style: chr17-50187050-C-T. GRCh37 (hg19) VCF-style: chr17-48264411-C-T.
Other names: short protein forms G1166S.
Identifiers: ClinVar variation 655548 (VCV000655548.10), dbSNP rs72656324, ClinGen allele CA400198666.
Genomic context (GRCh38, chr17:50,187,050, plus strand): 5'-GCAGAGGGGATGAGGGGCTACATACAACAGGACCAGCATCACCAGTGCGACCGCGAGGAC[C>T]AGGGGGCCCAATGGGGCCAGGGAGACCGTTGAGTCCATCTTTGCCAGGAGCACCAGCAGA-3'
Protein context (NP_000079.2, residues 1156-1176): NGLPGPIGPP[Gly1166Ser]PRGRTGDAGP